The following is an entry in ClinVar:

NM_001394372.1(BICRA):c.1765C>A (p.Pro589Thr)

Gene: BICRA (BRD4 interacting chromatin remodeling complex associated protein; plus strand). Cytogenetic location: 19q13.33.
Variant type: single nucleotide variant.
Coding change: c.1765C>A on transcript NM_001394372.1 (MANE Select); coding-DNA position 1765, C replaced by A.
Protein change: p.Pro589Thr; replaces proline 589 with threonine.
Molecular consequence: missense variant.
Genome position (GRCh38, 1-based): chr19:47,680,935, C>A. VCF-style: chr19-47680935-C-A. GRCh37 (hg19) VCF-style: chr19-48184192-C-A.
Other names: c.1765C>A, p.Pro589Thr (NM_015711.3); short protein forms P589T.
Identifiers: ClinVar variation 4082773 (VCV004082773.2).

ClinVar aggregate classification (germline): Likely benign (1 of 4 stars; one submission).

Submission:

GeneDx
Classification: Likely benign. Last evaluated: 2025-12-05. Review status: criteria provided, single submitter. Criteria: GeneDx Variant Classification Process June 2021. Collection method: clinical testing. Allele origin: germline.
Comment: See Variant Classification Assertion Criteria.